The following is an entry in ClinVar:

ClinVar aggregate classification (germline): Uncertain significance (1 of 4 stars; one submission).

Submission:

Labcorp Genetics (formerly Invitae), Labcorp
Classification: Uncertain significance. Last evaluated: 2022-01-26. Review status: criteria provided, single submitter. Criteria: Invitae Variant Classification Sherloc (09022015). Collection method: clinical testing. Allele origin: germline.
Comment: This variant is not present in population databases (gnomAD no frequency). In summary, the available evidence is currently insufficient to determine the role of this variant in disease. Therefore, it has been classified as a Variant of Uncertain Significance. Algorithms developed to predict the effect of missense changes on protein structure and function are either unavailable or do not agree on the potential impact of this missense change (SIFT: "Deleterious"; PolyPhen-2: "Probably Damaging"; Align-GVGD: "Class C15"). This variant has not been reported in the literature in individuals affected with EXOSC2-related conditions. This sequence change replaces glycine, which is neutral and non-polar, with arginine, which is basic and polar, at codon 138 of the EXOSC2 protein (p.Gly138Arg).

NM_014285.7(EXOSC2):c.412G>A (p.Gly138Arg)

Gene: EXOSC2 (exosome component 2; plus strand). Cytogenetic location: 9q34.12.
Variant type: single nucleotide variant.
Coding change: c.412G>A on transcript NM_014285.7 (MANE Select); coding-DNA position 412, G replaced by A.
Protein change: p.Gly138Arg; replaces glycine 138 with arginine.
Molecular consequence: missense variant. On other transcripts: non-coding transcript variant (1).
Genome position (GRCh38, 1-based): chr9:130,699,380, G>A. VCF-style: chr9-130699380-G-A. GRCh37 (hg19) VCF-style: chr9-133574767-G-A.
Other names: c.412G>A, p.Gly138Arg (NM_001282708.1); c.322G>A, p.Gly108Arg (NM_001282709.1); short protein forms G108R, G138R.
Identifiers: ClinVar variation 2048070 (VCV002048070.4), dbSNP rs2490788667, ClinGen allele CA375247581.